The following is an entry in ClinVar:

ClinVar aggregate classification (germline): Benign/Likely benign. Review status: criteria provided, multiple submitters, no conflicts (2 of 4 stars). 2 submissions from 2 submitters: Benign (1); Likely benign (1). Last evaluated 2024-10-15.

Conditions:
Hereditary diffuse gastric adenocarcinoma (HDGC). Also called: DIFFUSE GASTRIC AND LOBULAR BREAST CANCER SYNDROME. Identifiers: Orphanet 26106, MedGen C1708349, MONDO:0007648, OMIM 137215.

Allele frequency attached by ClinVar (database versions not stated): gnomAD exomes below 0.00001.
gnomAD v4.1: 1 of 1,612,708 alleles (0.000062%); highest among the groups gnomAD compares: Non-Finnish European, 0.000085%; no homozygotes.

Submissions (2):

Myriad Genetics, Inc.
Classification: Benign for Hereditary diffuse gastric adenocarcinoma. Last evaluated: 2024-10-15. Review status: criteria provided, single submitter. Criteria: Myriad Autosomal Dominant, Autosomal Recessive and X-Linked Classification Criteria (2023). Collection method: clinical testing. Allele origin: unknown.
Comment: This variant is considered benign. This variant is a silent/synonymous amino acid change and it is not expected to impact splicing.

Labcorp Genetics (formerly Invitae), Labcorp
Classification: Likely benign. Last evaluated: 2024-07-17. Review status: criteria provided, single submitter. Criteria: Invitae Variant Classification Sherloc (09022015). Collection method: clinical testing. Allele origin: germline.

NM_001903.5(CTNNA1):c.2217A>G (p.Thr739=)

Gene: CTNNA1 (catenin alpha 1; plus strand). Cytogenetic location: 5q31.2.
Variant type: single nucleotide variant.
Coding change: c.2217A>G on transcript NM_001903.5 (MANE Select); coding-DNA position 2217, A replaced by G.
Protein change: p.Thr739=; no amino-acid change (threonine 739 retained).
Molecular consequence: synonymous variant.
Genome position (GRCh38, 1-based): chr5:138,930,854, A>G. VCF-style: chr5-138930854-A-G. GRCh37 (hg19) VCF-style: chr5-138266543-A-G.
Other names: c.2217A>G, p.Thr739= (NM_001290307.3, NM_001323982.2, NM_001323983.1 and 2 more transcripts); c.1908A>G, p.Thr636= (NM_001290309.3); c.1848A>G, p.Thr616= (NM_001290310.3); c.1107A>G, p.Thr369= (NM_001290312.1, NM_001323987.1, NM_001323988.1 and 17 more transcripts); c.2124A>G, p.Thr708= (NM_001323986.2); c.768A>G, p.Thr256= (NM_001324006.1, NM_001324007.1, NM_001324008.1 and 2 more transcripts); c.1014A>G, p.Thr338= (NM_001324011.1); c.864A>G, p.Thr288= (NM_001324012.1, NM_001324013.1).
Identifiers: ClinVar variation 1492530 (VCV001492530.9), dbSNP rs963910441, ClinGen allele CA446598084.